The following is an entry in ClinVar:

NM_030662.4(MAP2K2):c.303+15G>T

Gene: MAP2K2 (mitogen-activated protein kinase kinase 2; minus strand). Cytogenetic location: 19p13.3.
Variant type: single nucleotide variant.
Coding change: c.303+15G>T on transcript NM_030662.4 (MANE Select); 15 bases into the intron after coding-DNA position 303, G replaced by T.
Molecular consequence: intron variant.
Genome position (GRCh38, 1-based): chr19:4,117,404, C>A on the plus strand (G>T on the coding strand, the complement: MAP2K2 is on the minus strand). VCF-style: chr19-4117404-C-A. GRCh37 (hg19) VCF-style: chr19-4117402-C-A.
Identifiers: ClinVar variation 1409586 (VCV001409586.8), dbSNP rs373530124, ClinGen allele CA9091055.
Genomic context (GRCh38, chr19:4,117,404, plus strand): 5'-CTTCCCAACCTGCCTCCTGTTTCCAGGGGGACCTTCCCCACCACTCCCCGACCTCCCCGA[C>A]CCCGCAGTGCTCACCTTCCTGGCCATGATGAGGCCCGAGGGTCTGTGCTGGACTTTGGTG-3'

ClinVar aggregate classification (germline): Benign/Likely benign. Review status: criteria provided, multiple submitters, no conflicts (2 of 4 stars). 3 submissions from 3 submitters: Benign (1); Likely benign (2). Last evaluated 2026-01-13.

Conditions:
RASopathy. Also called: rasopathies; Noonan spectrum disorder. Identifiers: Orphanet 536391, MedGen C5555857, MONDO:0021060.

gnomAD v4.1: 143 of 1,611,008 alleles (0.0089%); highest among the groups gnomAD compares: Middle Eastern, 0.02%; no homozygotes.

Submissions (3):

Labcorp Genetics (formerly Invitae), Labcorp
Classification: Likely benign for RASopathy. Last evaluated: 2026-01-13. Review status: criteria provided, single submitter. Criteria: Invitae Variant Classification Sherloc (09022015). Collection method: clinical testing. Allele origin: germline.

Blueprint Genetics
Classification: Likely benign. Last evaluated: 2022-05-12. Review status: criteria provided, single submitter. Criteria: ACMG Guidelines, 2015. Collection method: clinical testing. Allele origin: germline.

Women's Health and Genetics/Laboratory Corporation of America, LabCorp
Classification: Benign. Last evaluated: 2022-05-02. Review status: criteria provided, single submitter. Criteria: LabCorp Variant Classification Summary - May 2015. Collection method: clinical testing. Allele origin: germline.
Comment: Variant summary: MAP2K2 c.303+15G>T alters a non-conserved nucleotide located close to a canonical splice site and therefore could affect mRNA splicing, leading to a significantly altered protein sequence. 4/4 computational tools predict no significant impact on normal splicing, however, these predictions have yet to be confirmed by functional studies. The variant allele was found at a frequency of 2.5e-05 in 393668 control chromosomes (gnomAD v2.1 and 3.1-non-v2 datasets). The observed variant frequency is approximately 34-fold of the estimated maximal expected allele frequency for a pathogenic variant in MAP2K2 causing Cardiofaciocutaneous Syndrome phenotype (7.5e-07), strongly suggesting that the variant is benign. To our knowledge, no occurrence of c.303+15G>T in individuals affected with Cardiofaciocutaneous Syndrome and no experimental evidence demonstrating its impact on protein function have been reported. A co-occurrence with another pathogenic variant has been seen in our laboratory (HRAS c.35G>A (p.Gly12Asp)), providing supporting evidence for a benign role. One ClinVar submitter has assessed this variant since 2014: the variant was classified as of uncertain significance. Based on the evidence outlined above, the variant was classified as benign.